The following is an entry in ClinVar:

ClinVar aggregate classification (germline): Uncertain significance (1 of 4 stars; one submission).

Submission:

GeneDx
Classification: Uncertain significance. Last evaluated: 2020-01-09. Review status: criteria provided, single submitter. Criteria: GeneDx Variant Classification Process June 2021. Collection method: clinical testing. Allele origin: germline. Affected: yes.
Comment: Not observed in large population cohorts (Lek et al., 2016); The majority of missense variants in this gene are considered pathogenic (Stenson et al., 2014); In silico analysis, which includes protein predictors and evolutionary conservation, supports that this variant does not alter protein structure/function; Has not been previously published as pathogenic or benign to our knowledge

NM_001330260.2(SCN8A):c.4540A>G (p.Ile1514Val)

Gene: SCN8A (sodium voltage-gated channel alpha subunit 8; plus strand). Cytogenetic location: 12q13.13.
Variant type: single nucleotide variant.
Coding change: c.4540A>G on transcript NM_001330260.2 (MANE Select); coding-DNA position 4540, A replaced by G.
Protein change: p.Ile1514Val; replaces isoleucine 1514 with valine.
Molecular consequence: missense variant.
Genome position (GRCh38, 1-based): chr12:51,794,386, A>G. VCF-style: chr12-51794386-A-G. GRCh37 (hg19) VCF-style: chr12-52188170-A-G.
Other names: c.4417A>G, p.Ile1473Val (NM_001177984.3, NM_001369788.1); c.4540A>G, p.Ile1514Val (NM_014191.4); short protein forms I1473V, I1514V.
Identifiers: ClinVar variation 1320456 (VCV001320456.2), dbSNP rs2138918984, ClinGen allele CA384878379.